The following is an entry in ClinVar:

NM_013275.6(ANKRD11):c.7163G>C (p.Arg2388Pro)

Gene: ANKRD11 (ankyrin repeat domain containing 11; minus strand). Cytogenetic location: 16q24.3.
Variant type: single nucleotide variant.
Coding change: c.7163G>C on transcript NM_013275.6 (MANE Select); coding-DNA position 7163, G replaced by C.
Protein change: p.Arg2388Pro; replaces arginine 2388 with proline.
Molecular consequence: missense variant.
Genome position (GRCh38, 1-based): chr16:89,279,379, C>G on the plus strand (G>C on the coding strand, the complement: ANKRD11 is on the minus strand). VCF-style: chr16-89279379-C-G. GRCh37 (hg19) VCF-style: chr16-89345787-C-G.
Other names: c.7163G>C, p.Arg2388Pro (NM_001256182.2, NM_001256183.2); short protein forms R2388P.
Identifiers: ClinVar variation 3368150 (VCV003368150.1).
Genomic context (GRCh38, chr16:89,279,379, plus strand): 5'-CGCGTCTGCTGCGTGGACGTGTTCAGCTGCTGCTGCAGCTGCTGGGTGGAGCGCTGAAAG[C>G]GGCGTTTGCGCGGATGCTGGGCCTGGGCGTCGTCGTCCTCGGAGCCGCGGGCCTTGGCCC-3'
Protein context (NP_037407.4, residues 2378-2398): DAQAQHPRKR[Arg2388Pro]FQRSTQQLQQ

ClinVar aggregate classification (germline): Uncertain significance (1 of 4 stars; one submission).

Submission:

GeneDx
Classification: Uncertain significance. Last evaluated: 2024-01-23. Review status: criteria provided, single submitter. Criteria: GeneDx Variant Classification Process June 2021. Collection method: clinical testing. Allele origin: germline. Affected: yes.
Comment: Not observed at significant frequency in large population cohorts (gnomAD); In silico analysis supports that this missense variant has a deleterious effect on protein structure/function; Has not been previously published as pathogenic or benign to our knowledge